The following is an entry in ClinVar:

NM_152703.5(SAMD9L):c.3680A>G (p.His1227Arg)

Gene: SAMD9L (sterile alpha motif domain containing 9 like; minus strand). Cytogenetic location: 7q21.2.
Variant type: single nucleotide variant.
Coding change: c.3680A>G on transcript NM_152703.5 (MANE Select); coding-DNA position 3680, A replaced by G.
Protein change: p.His1227Arg; replaces histidine 1227 with arginine.
Molecular consequence: missense variant.
Genome position (GRCh38, 1-based): chr7:93,132,292, T>C on the plus strand (A>G on the coding strand, the complement: SAMD9L is on the minus strand). VCF-style: chr7-93132292-T-C. GRCh37 (hg19) VCF-style: chr7-92761605-T-C.
Other names: c.3680A>G, p.His1227Arg (NM_001303496.3, NM_001303497.3, NM_001303498.3 and 5 more transcripts); short protein forms H1227R.
Identifiers: ClinVar variation 4159471 (VCV004159471.1).
Genomic context (GRCh38, chr7:93,132,292, plus strand): 5'-TAACATTCATTTCTGGGATCAGGAGGAATGGTCCACTTTCCTGATAAAAATTGCACCATA[T>C]GTTTTTTGGATAATTCATTTTCTTTGTGGAAAAAGGGAGTGAGCTGAAGAATCTGGATAG-3'
Protein context (NP_689916.2, residues 1217-1237): FHKENELSKK[His1227Arg]MVQFLSGKWT

ClinVar aggregate classification (germline): Uncertain significance (1 of 4 stars; one submission).

Conditions:
Inborn genetic diseases. Identifiers: MedGen C0950123, MeSH D030342.

gnomAD v4.1: 4 of 1,613,674 alleles (0.00025%); highest among the groups gnomAD compares: East Asian, 0.0089%; no homozygotes.

Submission:

Ambry Genetics
Classification: Uncertain significance for Inborn genetic diseases. Last evaluated: 2025-09-11. Review status: criteria provided, single submitter. Criteria: Ambry Variant Classification Scheme 2023. Collection method: clinical testing. Allele origin: germline.
Comment: The p.H1227R variant (also known as c.3680A>G), located in coding exon 1 of the SAMD9L gene, results from an A to G substitution at nucleotide position 3680. The histidine at codon 1227 is replaced by arginine, an amino acid with highly similar properties. This amino acid position is conserved. In addition, this alteration is predicted to be tolerated by in silico analysis. Based on the available evidence, the clinical significance of this variant remains unclear.